The following is an entry in ClinVar:

NM_017534.6(MYH2):c.5375T>C (p.Met1792Thr)

Genes: MYH2 (myosin heavy chain 2; minus strand), MYHAS (myosin heavy chain gene cluster antisense RNA; plus strand). Cytogenetic location: 17p13.1.
Variant type: single nucleotide variant.
Coding change: c.5375T>C on transcript NM_017534.6 (MANE Select); coding-DNA position 5375, T replaced by C.
Protein change: p.Met1792Thr; replaces methionine 1792 with threonine.
Molecular consequence: missense variant.
Genome position (GRCh38, 1-based): chr17:10,523,593, A>G on the plus strand (T>C on the coding strand, the complement: MYH2 is on the minus strand). VCF-style: chr17-10523593-A-G. GRCh37 (hg19) VCF-style: chr17-10426910-A-G.
Other names: c.5375T>C, p.Met1792Thr (NM_001100112.2); short protein forms M1792T.
Identifiers: ClinVar variation 4798850 (VCV004798850.1).

ClinVar aggregate classification (germline): Uncertain significance (1 of 4 stars; one submission).

Conditions:
Myopathy, proximal, and ophthalmoplegia (CMYO6). Also called: CONGENITAL MYOPATHY 6 WITH OPHTHALMOPLEGIA; MYOPATHY WITH CONGENITAL JOINT CONTRACTURES, OPHTHALMOPLEGIA, AND RIMMED VACUOLES; INCLUSION BODY MYOPATHY 3, AUTOSOMAL DOMINANT. Identifiers: Orphanet 363677, Orphanet 79091, MedGen C1854106, MONDO:0011577, OMIM 605637.

Submission:

Labcorp Genetics (formerly Invitae), Labcorp
Classification: Uncertain significance for Myopathy, proximal, and ophthalmoplegia. Last evaluated: 2025-06-08. Review status: criteria provided, single submitter. Criteria: Invitae Variant Classification Sherloc (09022015). Collection method: clinical testing. Allele origin: germline.
Comment: This sequence change replaces methionine, which is neutral and non-polar, with threonine, which is neutral and polar, at codon 1792 of the MYH2 protein (p.Met1792Thr). This variant is not present in population databases (gnomAD no frequency). This variant has not been reported in the literature in individuals affected with MYH2-related conditions. Invitae Evidence Modeling of protein sequence and biophysical properties (such as structural, functional, and spatial information, amino acid conservation, physicochemical variation, residue mobility, and thermodynamic stability) indicates that this missense variant is expected to disrupt MYH2 protein function with a positive predictive value of 80%. In summary, the available evidence is currently insufficient to determine the role of this variant in disease. Therefore, it has been classified as a Variant of Uncertain Significance.